The following is an entry in ClinVar:

ClinVar aggregate classification (germline): Benign. Review status: criteria provided, multiple submitters, no conflicts (2 of 4 stars). 3 submissions from 3 submitters: Benign (3). Last evaluated 2024-01-24.

Allele frequency attached by ClinVar (database versions not stated): gnomAD exomes 0.61329; gnomAD 0.66420 and 0.66558; TOPMed 0.68332; 1000 Genomes Project 30x 0.71533; 1000 Genomes Project 0.72125.
gnomAD v4.1: 624,501 of 1,004,794 alleles (62%); highest among the groups gnomAD compares: East Asian, 83%; 196,796 homozygotes.

Submissions (3):

Unidad de Genómica Garrahan, Hospital de Pediatría Garrahan
Classification: Benign. Last evaluated: 2024-01-24. Review status: criteria provided, single submitter. Criteria: ACMG Guidelines, 2015. Collection method: clinical testing. Allele origin: germline. Affected: no. Observed: 62 variant alleles.
Comment: This variant is classified as Benign based on local population frequency. This variant was detected in 65% of patients studied by a panel of primary immunodeficiencies. Number of patients: 62. Only high quality variants are reported.

GeneDx
Classification: Benign. Last evaluated: 2018-11-10. Review status: criteria provided, single submitter. Criteria: GeneDx Variant Classification Process June 2021. Collection method: clinical testing. Allele origin: germline. Affected: yes.

Breakthrough Genomics
Classification: Benign. Review status: criteria provided, single submitter. Criteria: ACMG Guidelines, 2015. Collection method: not provided. Allele origin: germline. Inheritance: Autosomal recessive inheritance. Affected: yes.

NM_133459.4(CCBE1):c.265+67C>T

Gene: CCBE1 (collagen and calcium binding EGF domains 1; minus strand). Cytogenetic location: 18q21.32.
Variant type: single nucleotide variant.
Coding change: c.265+67C>T on transcript NM_133459.4 (MANE Select); 67 bases into the intron after coding-DNA position 265, C replaced by T.
Molecular consequence: intron variant.
Genome position (GRCh38, 1-based): chr18:59,480,119, G>A on the plus strand (C>T on the coding strand, the complement: CCBE1 is on the minus strand). VCF-style: chr18-59480119-G-A. GRCh37 (hg19) VCF-style: chr18-57147351-G-A.
Identifiers: ClinVar variation 1264169 (VCV001264169.5), dbSNP rs1663548, ClinGen allele CA14624148.
Genomic context (GRCh38, chr18:59,480,119, plus strand): 5'-ATACACAGACAGATACACAGATAATCAGACACAGATAAGACCTATATTCCATGAACATCT[G>A]AAGTTGATAGACTTTGAATGATTAGTTGTGAATAAAGTCAGACAATATCTTTTTTATATT-3'